The following is an entry in ClinVar:

NM_001322934.2(NFKB2):c.2556_2563del (p.Arg853fs)

Gene: NFKB2 (nuclear factor kappa B subunit 2; plus strand). Cytogenetic location: 10q24.32.
Variant type: Deletion.
Coding change: c.2556_2563del on transcript NM_001322934.2 (MANE Select); coding-DNA positions 2556 to 2563, 8 bases deleted (CCGAGACA; older notation c.2556_2563delCCGAGACA).
Protein change: p.Arg853fs; shifts the reading frame from arginine 853.
Molecular consequence: frameshift variant.
Genome position (GRCh38, 1-based): chr10:102,402,137-102,402,144, CCGAGACA deleted. VCF-style (leftmost placement, unchanged base first): chr10-102402136-CCCGAGACA-C. GRCh37 (hg19) VCF-style: chr10-104161893-CCCGAGACA-C.
Other names: c.2556_2563del, p.Arg853fs (LRG_1347t1, NM_001261403.3, NM_001288724.1 and 1 more transcripts); c.2430_2437del, p.Arg811fs (NM_001322935.1); short protein forms R811fs, R853fs.
Identifiers: ClinVar variation 155764 (VCV000155764.2), dbSNP rs727502786, ClinGen allele CA211925.
Genomic context (GRCh38, chr10:102,402,136, plus strand): 5'-TGGAGGCCCTGTCTGACATGGGCCTAGAGGAGGGAGTGAGGCTGCTGAGGGGTCCAGAAA[CCCGAGACA>C]AGCTGCCCAGCACAGGTAAAGGGGCCTCCCTGGAAGGTGGATCTGGACCTGGAGGGCCGG-3'

ClinVar aggregate classification (germline): Pathogenic. Review status: no assertion criteria provided (0 of 4 stars). 2 submissions from 2 submitters: Pathogenic (2). Last evaluated 2014-08-01.

Conditions:
Immunodeficiency, common variable, 10. Also called: IMMUNODEFICIENCY, COMMON VARIABLE, WITH CENTRAL ADRENAL INSUFFICIENCY; DEFICIT IN ANTERIOR PITUITARY FUNCTION AND VARIABLE IMMUNODEFICIENCY. Identifiers: MedGen C3809991, MONDO:0014260, OMIM 615577.

Submissions (2):

OMIM
Classification: Pathogenic for IMMUNODEFICIENCY, COMMON VARIABLE, 10. Last evaluated: 2014-08-01. Review status: no assertion criteria provided. Collection method: literature only. Allele origin: germline.

Samuels research lab, Centre de Recherche du CHU Ste-Justine
Classification: Pathogenic for Combined variable immunodeficiency (CVID) with pituitary insufficiency (ACTH deficiency, sometimes with growth hormone or thyroid hormone deficiency). Review status: no assertion criteria provided. Collection method: research. Allele origin: de novo. Affected: yes. Observed: 2 variant alleles. Study: FORGE Canada.
Comment: Molecular characterization of rare pediatric disorders in Canada

Literature cited by the submitters: PubMed 24888602 (cited by OMIM); PubMed 25524009 (cited by Samuels research lab, Centre de Recherche du CHU Ste-Justine).